The following is an entry in ClinVar:

NM_001244008.2(KIF1A):c.2716_2723delinsAGAG (p.Val906fs)

Gene: KIF1A (kinesin family member 1A; minus strand). Cytogenetic location: 2q37.3.
Variant type: Indel.
Coding change: c.2716_2723delinsAGAG on transcript NM_001244008.2 (MANE Select); coding-DNA positions 2716 to 2723, GTGGGGGA replaced by AGAG.
Protein change: p.Val906fs; shifts the reading frame from valine 906.
Molecular consequence: frameshift variant. On other transcripts: intron variant (18).
Genome position (GRCh38, 1-based): chr2:240,757,454-240,757,461, TCCCCCAC replaced by CTCT on the plus strand (GTGGGGGA replaced by AGAG on the coding strand, the reverse complement: KIF1A is on the minus strand). VCF-style: chr2-240757454-TCCCCCAC-CTCT. GRCh37 (hg19) VCF-style: chr2-241696871-TCCCCCAC-CTCT.
Other names: c.2791_2798delinsAGAG, p.Val931fs (NM_001379631.1); c.2665_2672delinsAGAG, p.Val889fs (NM_001379632.1); c.2689_2696delinsAGAG, p.Val897fs (NM_001379633.1, NM_001379642.1, NM_001379645.1); c.2555+899_2555+906delinsAGAG (NM_001379653.1, NM_001379650.1, NM_001379640.1 and 6 more transcripts); c.2657+899_2657+906delinsAGAG (NM_001379635.1, NM_001330290.2, NM_001379646.1 and 1 more transcripts); c.2630+899_2630+906delinsAGAG (NM_001379637.1, NM_001379648.1); c.2582+899_2582+906delinsAGAG (NM_001320705.2, NM_001379638.1, NM_001330289.2); short protein forms V889fs, V897fs, V906fs, V931fs.
Identifiers: ClinVar variation 3371769 (VCV003371769.1).

ClinVar aggregate classification (germline): Uncertain significance (1 of 4 stars; one submission).

Submission:

GeneDx
Classification: Uncertain significance. Last evaluated: 2024-03-28. Review status: criteria provided, single submitter. Criteria: GeneDx Variant Classification Process June 2021. Collection method: clinical testing. Allele origin: germline. Affected: yes.
Comment: Not observed at significant frequency in large population cohorts (gnomAD); Frameshift variant predicted to result in protein truncation or nonsense mediated decay in a gene or region of a gene for which loss of function is not a well-established mechanism of disease; Has not been previously published as pathogenic or benign to our knowledge; Reported using an alternate transcript of the gene